The following is an entry in ClinVar:

NM_006922.4(SCN3A):c.4239+2dup

Gene: SCN3A (sodium voltage-gated channel alpha subunit 3; minus strand). Cytogenetic location: 2q24.3.
Variant type: Duplication.
Coding change: c.4239+2dup on transcript NM_006922.4 (MANE Select); the canonical splice donor site of the intron after coding-DNA position 4239, one base duplicated (T; older notation c.4239+2dupT).
Molecular consequence: splice donor variant.
Genome position (GRCh38, 1-based): chr2:165,097,250, A duplicated on the plus strand (T on the coding strand, the reverse complement: SCN3A is on the minus strand). VCF-style (leftmost placement, unchanged base first): chr2-165097249-T-TA. GRCh37 (hg19) VCF-style: chr2-165953759-T-TA.
Other names: c.4239+2dupT (NM_006922.3); c.4092+2dup (NM_001081676.2, NM_001081677.2).
Identifiers: ClinVar variation 503956 (VCV000503956.1), dbSNP rs1553518222, ClinGen allele CA658795920.

ClinVar aggregate classification (germline): Uncertain significance (1 of 4 stars; one submission).

Submission:

GeneDx
Classification: Uncertain significance. Last evaluated: 2017-12-12. Review status: criteria provided, single submitter. Criteria: GeneDx Variant Classification (06012015). Collection method: clinical testing. Allele origin: germline. Affected: yes.
Comment: A variant of uncertain significance has been identified in the SCN3A gene. The c.4239+2dupT variant has not been published as a pathogenic variant, nor has it been reported as a benign variant to our knowledge. The c.4239+2dupT variant is not observed in large population cohorts (Lek et al., 2016). Several in silico splice prediction models predict that c.4239+2dupT may destroy the natural donor site and lead to abnormal gene splicing. However, in the absence of RNA/functional studies, the actual effect of this sequence change in this individual is unknown. Additionally, the majority of pathogenic variants reported in the SCN3A gene are missense (Stenson et al., 2014). Therefore, based on the currently available information, it is unclear whether this variant is a pathogenic variant or a rare benign variant.